The following is an entry in ClinVar:

ClinVar aggregate classification (germline): Pathogenic/Likely pathogenic. Review status: criteria provided, multiple submitters, no conflicts (2 of 4 stars). 2 submissions from 2 submitters: Pathogenic (1); Likely pathogenic (1). Last evaluated 2025-03-05.

Conditions:
Short-rib thoracic dysplasia 10 with or without polydactyly (SRTD10). Identifiers: Orphanet 474, MedGen C3810175, MONDO:0014284, OMIM 615630.
Retinitis pigmentosa 71 (RP71). Identifiers: Orphanet 791, MedGen C4225342, MONDO:0014618, OMIM 616394.
Bardet-Biedl syndrome 20. Identifiers: MedGen C4310707, MONDO:0023670, OMIM 619471, MONDO:0014926.

Allele frequency attached by ClinVar (database versions not stated): gnomAD exomes below 0.00001.
gnomAD v4.1: 3 of 1,613,154 alleles (0.00019%); highest among the groups gnomAD compares: East Asian, 0.0022%; no homozygotes.

Submissions (2):

Labcorp Genetics (formerly Invitae), Labcorp
Classification: Pathogenic for Retinitis pigmentosa 71; Short-rib thoracic dysplasia 10 with or without polydactyly. Last evaluated: 2025-03-05. Review status: criteria provided, single submitter. Criteria: Invitae Variant Classification Sherloc (09022015). Collection method: clinical testing. Allele origin: germline.
Comment: This sequence change creates a premature translational stop signal (p.Arg1682*) in the IFT172 gene. It is expected to result in an absent or disrupted protein product. Loss-of-function variants in IFT172 are known to be pathogenic (PMID: 24140113). This variant is present in population databases (no rsID available, gnomAD 0.003%). This variant has not been reported in the literature in individuals affected with IFT172-related conditions. ClinVar contains an entry for this variant (Variation ID: 1455123). For these reasons, this variant has been classified as Pathogenic.

Fulgent Genetics
Classification: Likely pathogenic for Short-rib thoracic dysplasia 10 with or without polydactyly; Retinitis pigmentosa 71; Bardet-Biedl syndrome 20. Last evaluated: 2024-05-14. Review status: criteria provided, single submitter. Criteria: ACMG Guidelines, 2015. Collection method: clinical testing. Allele origin: germline.

Literature cited by the submitters: PubMed 24140113 (cited by Labcorp Genetics (formerly Invitae), Labcorp).

NM_015662.3(IFT172):c.5044C>T (p.Arg1682Ter)

Genes: KRTCAP3 (keratinocyte associated protein 3; plus strand), IFT172 (intraflagellar transport 172; minus strand). Cytogenetic location: 2p23.3.
Variant type: single nucleotide variant.
Coding change: c.5044C>T on transcript NM_015662.3 (MANE Select); coding-DNA position 5044, C replaced by T.
Protein change: p.Arg1682Ter; replaces arginine 1682 with a stop codon.
Molecular consequence: nonsense. On other transcripts: intron variant (1).
Genome position (GRCh38, 1-based): chr2:27,445,320, G>A on the plus strand (C>T on the coding strand, the complement: IFT172 is on the minus strand). VCF-style: chr2-27445320-G-A. GRCh37 (hg19) VCF-style: chr2-27668187-G-A.
Other names: c.4978C>T, p.Arg1660Ter (NM_001410739.1); c.*6-981G>A (NM_001168364.2); short protein forms R1682*, R1660*.
Identifiers: ClinVar variation 1455123 (VCV001455123.9), dbSNP rs1329856696, ClinGen allele CA346413434.
Genomic context (GRCh38, chr2:27,445,320, plus strand): 5'-CCACCACAGGATCTGGGGTGCTGTAGGCTTCTATACCTGTAATAAGGCAGGGCAGGGCTC[G>A]AACACCAGTGCTCGCTGCCACTAGGGAGGCCTCGTAGGCGCCACGCTCATCCCGAGGCAG-3'